The following is an entry in ClinVar:

ClinVar aggregate classification (germline): Conflicting classifications of pathogenicity. Review status: criteria provided, conflicting classifications (1 of 4 stars). 5 submissions from 5 submitters: Uncertain significance (1); Likely benign (2). 2 of the submissions do not count toward it. Last evaluated 2025-12-28.

Conditions:
Spastic paraplegia. Identifiers: MedGen C0037772, HP:0001258.
Hereditary spastic paraplegia. Also called: Familial spastic paraparesis. Identifiers: Orphanet 685, MedGen C0037773, MONDO:0019064. Disease mechanism: loss of function.
SACS-related disorder. Also called: SACS-related condition.
Charlevoix-Saguenay spastic ataxia (SACS). Also called: AUTOSOMAL RECESSIVE SPASTIC ATAXIA OF CHARLEVOIX-SAGUENAY; SPASTIC ATAXIA 6, AUTOSOMAL RECESSIVE; Spastic ataxia of Charlevoix-Saguenay. Identifiers: Orphanet 98, MedGen C1849140, MONDO:0010041, OMIM 270550.

Allele frequency attached by ClinVar (database versions not stated): gnomAD exomes 0.00003 and 0.00006; TOPMed 0.00003; gnomAD 0.00004 and 0.00005; ExAC 0.00007.
gnomAD v4.1: 54 of 1,613,848 alleles (0.0033%); highest among the groups gnomAD compares: South Asian, 0.054%; 2 homozygotes.

Submissions (5):

Labcorp Genetics (formerly Invitae), Labcorp
Classification: Likely benign for Spastic paraplegia. Last evaluated: 2025-12-28. Review status: criteria provided, single submitter. Criteria: Invitae Variant Classification Sherloc (09022015). Collection method: clinical testing. Allele origin: germline.

Athena Diagnostics
Classification: Likely benign. Last evaluated: 2025-09-18. Review status: criteria provided, single submitter. Criteria: Athena Diagnostics Criteria. Collection method: clinical testing. Allele origin: unknown.
Comment: The frequency of this variant in the general population is higher than would generally be expected for pathogenic variants in this gene. Computational tools yielded predictions that this variant is unlikely to have an effect on normal RNA splicing. This nucleotide position exhibits low evolutionary conservation.

Genome Diagnostics Laboratory, The Hospital for Sick Children
Classification: Uncertain significance for Hereditary spastic paraplegia. Last evaluated: 2016-12-12. Review status: criteria provided, single submitter. Criteria: ACMG Guidelines, 2015. Collection method: clinical testing. Allele origin: germline. Affected: yes.

Natera, Inc.
Classification: Likely benign for Charlevoix-Saguenay type spastic ataxia. Last evaluated: 2021-02-26. Review status: no assertion criteria provided. Collection method: clinical testing. Allele origin: germline. Not counted in ClinVar's aggregate classification.

PreventionGenetics, part of Exact Sciences
Classification: Likely benign for SACS-related condition. Last evaluated: 2019-11-27. Review status: no assertion criteria provided. Collection method: clinical testing. Allele origin: germline. Not counted in ClinVar's aggregate classification.
Comment: This variant is classified as likely benign based on ACMG/AMP sequence variant interpretation guidelines (Richards et al. 2015 PMID: 25741868, with internal and published modifications).

NM_014363.6(SACS):c.11049T>C (p.Asn3683=)

Gene: SACS (sacsin molecular chaperone; minus strand). Cytogenetic location: 13q12.12.
Variant type: single nucleotide variant.
Coding change: c.11049T>C on transcript NM_014363.6 (MANE Select); coding-DNA position 11049, T replaced by C.
Protein change: p.Asn3683=; no amino-acid change (asparagine 3683 retained).
Molecular consequence: synonymous variant.
Genome position (GRCh38, 1-based): chr13:23,332,827, A>G on the plus strand (T>C on the coding strand, the complement: SACS is on the minus strand). VCF-style: chr13-23332827-A-G. GRCh37 (hg19) VCF-style: chr13-23906966-A-G.
Other names: c.10608T>C, p.Asn3536= (NM_001278055.2).
Identifiers: ClinVar variation 790533 (VCV000790533.18), dbSNP rs773770705, ClinGen allele CA6910346.